The following is an entry in ClinVar:

NM_000748.3(CHRNB2):c.1148G>T (p.Gly383Val)

Gene: CHRNB2 (cholinergic receptor nicotinic beta 2 subunit; plus strand). Cytogenetic location: 1q21.3.
Variant type: single nucleotide variant.
Coding change: c.1148G>T on transcript NM_000748.3 (MANE Select); coding-DNA position 1148, G replaced by T.
Protein change: p.Gly383Val; replaces glycine 383 with valine.
Molecular consequence: missense variant.
Genome position (GRCh38, 1-based): chr1:154,571,971, G>T. VCF-style: chr1-154571971-G-T. GRCh37 (hg19) VCF-style: chr1-154544447-G-T.
Other names: short protein forms G383V.
Identifiers: ClinVar variation 3633611 (VCV003633611.2).
Genomic context (GRCh38, chr1:154,571,971, plus strand): 5'-TGCGGCGACGCCAGCGTGAGCGCGAGGGCGCTGGAGCCCTCTTCTTCCGCGAAGCCCCAG[G>T]GGCCGACTCCTGCACGTGCTTCGTCAACCGCGCGTCGGTGCAGGGGTTGGCCGGGGCCTT-3'
Protein context (NP_000739.1, residues 373-393): AGALFFREAP[Gly383Val]ADSCTCFVNR

ClinVar aggregate classification (germline): Uncertain significance (1 of 4 stars; one submission).

Conditions:
Familial sleep-related hypermotor epilepsy. Also called: Autosomal Dominant Sleep-Related Hypermotor (Hyperkinetic) Epilepsy. Identifiers: Orphanet 98784, MedGen C3696898, MONDO:0000030.

Submission:

Labcorp Genetics (formerly Invitae), Labcorp
Classification: Uncertain significance. Last evaluated: 2024-09-17. Review status: criteria provided, single submitter. Criteria: Invitae Variant Classification Sherloc (09022015). Collection method: clinical testing. Allele origin: germline.
Comment: This sequence change replaces glycine, which is neutral and non-polar, with valine, which is neutral and non-polar, at codon 383 of the CHRNB2 protein (p.Gly383Val). This variant is not present in population databases (gnomAD no frequency). This variant has not been reported in the literature in individuals affected with CHRNB2-related conditions. Invitae Evidence Modeling of protein sequence and biophysical properties (such as structural, functional, and spatial information, amino acid conservation, physicochemical variation, residue mobility, and thermodynamic stability) indicates that this missense variant is not expected to disrupt CHRNB2 protein function with a negative predictive value of 95%. In summary, the available evidence is currently insufficient to determine the role of this variant in disease. Therefore, it has been classified as a Variant of Uncertain Significance.